The following is an entry in ClinVar:

ClinVar aggregate classification (germline): Uncertain significance. Review status: criteria provided, multiple submitters, no conflicts (2 of 4 stars). 5 submissions from 5 submitters: Uncertain significance (4). 1 of the submissions does not count toward it. Last evaluated 2024-11-11.

Conditions:
MPI-related disorder. Also called: MPI-related condition.
MPI-congenital disorder of glycosylation. Also called: CDG Ib; CONGENITAL DISORDER OF GLYCOSYLATION, TYPE Ib; MPI DEFICIENCY; MPI-CDG; MANNOSEPHOSPHATE ISOMERASE DEFICIENCY; PROTEIN-LOSING ENTEROPATHY-HEPATIC FIBROSIS SYNDROME. Identifiers: Orphanet 79319, MedGen C1865145, MONDO:0011257, OMIM 602579.

Allele frequency attached by ClinVar (database versions not stated): gnomAD 0.00004 and 0.00006; gnomAD exomes 0.00004 and 0.00022; TOPMed 0.00007; ESP Exome Variant Server 0.00008; ExAC 0.00012.
gnomAD v4.1: 64 of 1,614,028 alleles (0.004%); highest among the groups gnomAD compares: Admixed American, 0.1%; no homozygotes.

Submissions (5):

Labcorp Genetics (formerly Invitae), Labcorp
Classification: Uncertain significance for MPI-congenital disorder of glycosylation. Last evaluated: 2024-11-11. Review status: criteria provided, single submitter. Criteria: Invitae Variant Classification Sherloc (09022015). Collection method: clinical testing. Allele origin: germline.
Comment: This sequence change replaces methionine, which is neutral and non-polar, with valine, which is neutral and non-polar, at codon 21 of the MPI protein (p.Met21Val). This variant is present in population databases (rs376746368, gnomAD 0.2%). This variant has not been reported in the literature in individuals affected with MPI-related conditions. ClinVar contains an entry for this variant (Variation ID: 663264). An algorithm developed to predict the effect of missense changes on protein structure and function outputs the following: PolyPhen-2: "Benign". The valine amino acid residue is found in multiple mammalian species, which suggests that this missense change does not adversely affect protein function. In summary, the available evidence is currently insufficient to determine the role of this variant in disease. Therefore, it has been classified as a Variant of Uncertain Significance.

Women's Health and Genetics/Laboratory Corporation of America, LabCorp
Classification: Uncertain significance. Last evaluated: 2024-06-17. Review status: criteria provided, single submitter. Criteria: LabCorp Variant Classification Summary - May 2015. Collection method: clinical testing. Allele origin: germline.

Fulgent Genetics
Classification: Uncertain significance for MPI-congenital disorder of glycosylation. Last evaluated: 2021-07-11. Review status: criteria provided, single submitter. Criteria: ACMG Guidelines, 2015. Collection method: clinical testing. Allele origin: unknown.

GeneDx
Classification: Uncertain significance. Last evaluated: 2021-06-04. Review status: criteria provided, single submitter. Criteria: GeneDx Variant Classification Process June 2021. Collection method: clinical testing. Allele origin: germline. Affected: yes.
Comment: Has not been previously published as pathogenic or benign to our knowledge; In silico analysis supports that this missense variant does not alter protein structure/function; In silico analysis, which includes splice predictors and evolutionary conservation, suggests this variant may impact gene splicing. In the absence of RNA/functional studies, the actual effect of this sequence change is unknown.; This variant is associated with the following publications: (PMID: 27535533)

PreventionGenetics, part of Exact Sciences
Classification: Likely benign for MPI-related condition. Last evaluated: 2022-10-24. Review status: no assertion criteria provided. Collection method: clinical testing. Allele origin: germline. Not counted in ClinVar's aggregate classification.
Comment: This variant is classified as likely benign based on ACMG/AMP sequence variant interpretation guidelines (Richards et al. 2015 PMID: 25741868, with internal and published modifications).

NM_002435.3(MPI):c.61A>G (p.Met21Val)

Gene: MPI (mannose phosphate isomerase; plus strand). Cytogenetic location: 15q24.1.
Variant type: single nucleotide variant.
Coding change: c.61A>G on transcript NM_002435.3 (MANE Select); coding-DNA position 61, A replaced by G.
Protein change: p.Met21Val; replaces methionine 21 with valine.
Molecular consequence: missense variant. On other transcripts: initiator codon variant (1), intron variant (1).
Genome position (GRCh38, 1-based): chr15:74,890,571, A>G. VCF-style: chr15-74890571-A-G. GRCh37 (hg19) VCF-style: chr15-75182912-A-G.
Other names: c.1A>G (NM_001330372.1); c.61A>G, p.Met21Val (NM_001289155.2, NM_001289157.2); c.1A>G, p.Met1Val (NM_001330372.2); c.-7+482A>G (NM_001289156.2); short protein forms M1V, M21V.
Identifiers: ClinVar variation 663264 (VCV000663264.12), dbSNP rs376746368, ClinGen allele CA7662325.